The following is an entry in ClinVar:

ClinVar aggregate classification (germline): Uncertain significance (1 of 4 stars; one submission).

Allele frequency attached by ClinVar (database versions not stated): ExAC 0.00001; gnomAD 0.00001; gnomAD exomes 0.00001; TOPMed 0.00001.
gnomAD v4.1: 10 of 1,613,838 alleles (0.00062%); highest among the groups gnomAD compares: Non-Finnish European, 0.00085%; no homozygotes.

Submission:

Labcorp Genetics (formerly Invitae), Labcorp
Classification: Uncertain significance. Last evaluated: 2023-12-20. Review status: criteria provided, single submitter. Criteria: Invitae Variant Classification Sherloc (09022015). Collection method: clinical testing. Allele origin: germline.
Comment: This sequence change replaces asparagine, which is neutral and polar, with aspartic acid, which is acidic and polar, at codon 328 of the SLC10A2 protein (p.Asn328Asp). This variant is present in population databases (rs747631853, gnomAD 0.0009%). This variant has not been reported in the literature in individuals affected with SLC10A2-related conditions. Algorithms developed to predict the effect of missense changes on protein structure and function output the following: SIFT: "Not Available"; PolyPhen-2: "Benign"; Align-GVGD: "Not Available". The aspartic acid amino acid residue is found in multiple mammalian species, which suggests that this missense change does not adversely affect protein function. In summary, the available evidence is currently insufficient to determine the role of this variant in disease. Therefore, it has been classified as a Variant of Uncertain Significance.

NM_000452.3(SLC10A2):c.982A>G (p.Asn328Asp)

Gene: SLC10A2 (solute carrier family 10 member 2; minus strand). Cytogenetic location: 13q33.1.
Variant type: single nucleotide variant.
Coding change: c.982A>G on transcript NM_000452.3 (MANE Select); coding-DNA position 982, A replaced by G.
Protein change: p.Asn328Asp; replaces asparagine 328 with aspartic acid.
Molecular consequence: missense variant.
Genome position (GRCh38, 1-based): chr13:103,046,198, T>C on the plus strand (A>G on the coding strand, the complement: SLC10A2 is on the minus strand). VCF-style: chr13-103046198-T-C. GRCh37 (hg19) VCF-style: chr13-103698548-T-C.
Other names: short protein forms N328D.
Identifiers: ClinVar variation 2795484 (VCV002795484.3), dbSNP rs747631853, ClinGen allele CA7041961.